The following is an entry in ClinVar:

ClinVar aggregate classification (germline): Likely benign. Review status: criteria provided, multiple submitters, no conflicts (2 of 4 stars). 2 submissions from 2 submitters: Likely benign (2). Last evaluated 2024-12-01.

gnomAD v4.1: 11 of 1,611,560 alleles (0.00068%); highest among the groups gnomAD compares: African/African-American, 0.0027%; no homozygotes.

Submissions (2):

CeGaT Center for Human Genetics Tuebingen
Classification: Likely benign. Last evaluated: 2024-12-01. Review status: criteria provided, single submitter. Criteria: CeGaT Center For Human Genetics Tuebingen Variant Classification Criteria Version 2. Collection method: clinical testing. Allele origin: germline. Affected: yes. Observed: 1 variant allele.
Comment: VPS13D: BP4, BP7

Blueprint Genetics
Classification: Likely benign. Last evaluated: 2022-08-15. Review status: criteria provided, single submitter. Criteria: ACMG Guidelines, 2015. Collection method: clinical testing. Allele origin: germline.

NM_015378.4(VPS13D):c.12537C>T (p.Ser4179=)

Gene: VPS13D (vacuolar protein sorting 13 homolog D; plus strand). Cytogenetic location: 1p36.22.
Variant type: single nucleotide variant.
Coding change: c.12537C>T on transcript NM_015378.4 (MANE Select); coding-DNA position 12537, C replaced by T.
Protein change: p.Ser4179=; no amino-acid change (serine 4179 retained).
Molecular consequence: synonymous variant.
Genome position (GRCh38, 1-based): chr1:12,460,271, C>T. VCF-style: chr1-12460271-C-T. GRCh37 (hg19) VCF-style: chr1-12520326-C-T.
Other names: c.12462C>T, p.Ser4154= (NM_018156.4).
Identifiers: ClinVar variation 3771923 (VCV003771923.14).